The following is an entry in ClinVar:

NM_024426.6(WT1):c.1114-14CT[2]

Gene: WT1 (WT1 transcription factor; minus strand). Cytogenetic location: 11p13.
Variant type: Microsatellite.
Coding change: c.1114-14CT[2] on transcript NM_024426.6 (MANE Select); two copies in a row of the 2-base unit CT starting at c.1114-14; the reference has three copies in a row; one copy, 2 bases deleted.
Molecular consequence: intron variant.
Genome position (GRCh38, 1-based): chr11:32,396,416-32,396,417, AG deleted on the plus strand (CT on the coding strand, the reverse complement: WT1 is on the minus strand); deleting any 2 consecutive bases within chr11:32,396,416-32,396,421 gives the same sequence; the position shown is the placement nearest the transcript's 3' end. VCF-style (leftmost placement, unchanged base first): chr11-32396415-CAG-C. GRCh37 (hg19) VCF-style: chr11-32417961-CAG-C.
Other names: c.940-14CT[2] (NM_001407050.1); c.991-14CT[2] (NM_001407047.1); c.1063-14CT[2] (NM_001407048.1, NM_001407049.1, NM_000378.6 and 1 more transcripts); c.1108-14CT[2] (NM_001407044.1); c.1114-14CT[2] (NM_001407046.1, NM_024424.5); c.352-14CT[2] (NM_001407051.1); c.412-14CT[2] (NM_001198552.2); c.463-14CT[2] (NM_001198551.2); and 1 more.
Identifiers: ClinVar variation 1115615 (VCV001115615.11), dbSNP rs994248697, ClinGen allele CA219476988.

ClinVar aggregate classification (germline): Likely benign. Review status: criteria provided, multiple submitters, no conflicts (2 of 4 stars). 2 submissions from 2 submitters: Likely benign (2). Last evaluated 2023-12-18.

Conditions:
Drash syndrome (DDS). Also called: WILMS TUMOR AND PSEUDO- OR TRUE HERMAPHRODITISM; NEPHROPATHY, WILMS TUMOR, AND GENITAL ANOMALIES. Identifiers: Orphanet 220, MedGen C0950121, MONDO:0008682, OMIM 194080.
Frasier syndrome. Identifiers: Orphanet 347, MedGen C0950122, MeSH D052159, MONDO:0007635, OMIM 136680.
Wilms tumor 1 (WT1). Also called: Wilms tumor, somatic. Identifiers: Orphanet 654, MedGen CN033288, MONDO:0008679, OMIM 194070.
11p partial monosomy syndrome (WAGR). Also called: WAGR syndrome; WAGR Complex; WAGR Spectrum Disorder; CHROMOSOME 11p13 DELETION SYNDROME. Identifiers: Orphanet 893, MedGen C0206115, MONDO:0008681, OMIM 194072.

Submissions (2):

All of Us Research Program, National Institutes of Health
Classification: Likely benign for Wilms tumor 1. Last evaluated: 2023-12-18. Review status: criteria provided, single submitter. Criteria: ACMG Guidelines, 2015. Collection method: clinical testing. Allele origin: germline. Inheritance: Autosomal dominant inheritance. Observed: 1 variant allele, 1 heterozygote.
Comment: This study involves interpretation of variants in research participants for the purpose of population health screening. Participant phenotype was not available at the time of variant classification. Additional details can be found in publication PMID: 35346344, PMCID: PMC8962531

Labcorp Genetics (formerly Invitae), Labcorp
Classification: Likely benign for Wilms tumor 1; Drash syndrome; 11p partial monosomy syndrome; Frasier syndrome. Last evaluated: 2023-04-22. Review status: criteria provided, single submitter. Criteria: Invitae Variant Classification Sherloc (09022015). Collection method: clinical testing. Allele origin: germline.